The following is an entry in ClinVar:

NC_000009.11:g.(?_6533017)_(6620339_?)del

Gene: GLDC (glycine decarboxylase; minus strand). Cytogenetic location: 9p24.1.
Variant type: Deletion.
Identifiers: ClinVar variation 2422518 (VCV002422518.7).

ClinVar aggregate classification (germline): Pathogenic (1 of 4 stars; one submission).

Conditions:
Glycine encephalopathy. Also called: Nonketotic hyperglycinemia; Non-ketotic hyperglycinemia. Identifiers: Orphanet 407, MedGen C0751748, MONDO:0011612, HP:0008288.

Submission:

Labcorp Genetics (formerly Invitae), Labcorp
Classification: Pathogenic for Glycine encephalopathy. Last evaluated: 2023-03-03. Review status: criteria provided, single submitter. Criteria: Invitae Variant Classification Sherloc (09022015). Collection method: clinical testing. Allele origin: germline.
Comment: This variant is a gross deletion of the genomic region encompassing exon(s) 3-25 of the GLDC gene, which includes the termination codon. This deletion extends beyond the assayed region for this gene and therefore may encompass additional genes. While this deletion is not anticipated to lead to nonsense mediated decay, it is expected to alter mRNA translation or result in a truncated protein product. A similar copy number variant has been observed in individual(s) with non-ketotic hyperglycinemia (PMID: 26179960). In at least one individual the data is consistent with being in trans (on the opposite chromosome) from a pathogenic variant. For these reasons, this variant has been classified as Pathogenic.

Literature cited by the submitters: PubMed 26179960.